The following is an entry in ClinVar:

ClinVar aggregate classification (germline): Uncertain significance. Review status: criteria provided, multiple submitters, no conflicts (2 of 4 stars). 2 submissions from 2 submitters: Uncertain significance (2). Last evaluated 2026-08-05.

Conditions:
Desmin-related myofibrillar myopathy (MFM1). Also called: MYOFIBRILLAR MYOPATHY WITH ARRHYTHMOGENIC RIGHT VENTRICULAR CARDIOMYOPATHY; Desminopathy; Desmin related myopathy (former name); Desmin storage myopathy (former name); DESMIN-RELATED MYOPATHY WITH ARRHYTHMOGENIC RIGHT VENTRICULAR CARDIOMYOPATHY; Myofibrillar myopathy 1. Identifiers: Orphanet 363543, Orphanet 98909, MedGen C1832370, MONDO:0011076, OMIM 601419.
Cardiovascular phenotype. Identifiers: MedGen CN230736.

Submissions (2):

Ambry Genetics
Classification: Uncertain significance for Cardiovascular phenotype. Last evaluated: 2026-08-05. Review status: criteria provided, single submitter. Criteria: Ambry Variant Classification Scheme 2023. Collection method: clinical testing. Allele origin: germline.
Comment: The p.D354E variant (also known as c.1062C>A), located in coding exon 6 of the DES gene, results from a C to A substitution at nucleotide position 1062. The aspartic acid at codon 354 is replaced by glutamic acid, an amino acid with highly similar properties. This amino acid position is not well conserved in available vertebrate species. In addition, this alteration is predicted to be tolerated by in silico analysis. Based on the available evidence, the clinical significance of this variant remains unclear.

Labcorp Genetics (formerly Invitae), Labcorp
Classification: Uncertain significance for Desmin-related myofibrillar myopathy. Last evaluated: 2024-07-17. Review status: criteria provided, single submitter. Criteria: Invitae Variant Classification Sherloc (09022015). Collection method: clinical testing. Allele origin: germline.
Comment: This sequence change replaces aspartic acid, which is acidic and polar, with glutamic acid, which is acidic and polar, at codon 354 of the DES protein (p.Asp354Glu). This variant is not present in population databases (gnomAD no frequency). This variant has not been reported in the literature in individuals affected with DES-related conditions. Advanced modeling of protein sequence and biophysical properties (such as structural, functional, and spatial information, amino acid conservation, physicochemical variation, residue mobility, and thermodynamic stability) performed at Invitae indicates that this missense variant is not expected to disrupt DES protein function with a negative predictive value of 80%. In summary, the available evidence is currently insufficient to determine the role of this variant in disease. Therefore, it has been classified as a Variant of Uncertain Significance.

NM_001927.4(DES):c.1062C>A (p.Asp354Glu)

Gene: DES (desmin; plus strand). Cytogenetic location: 2q35.
Variant type: single nucleotide variant.
Coding change: c.1062C>A on transcript NM_001927.4 (MANE Select); coding-DNA position 1062, C replaced by A.
Protein change: p.Asp354Glu; replaces aspartic acid 354 with glutamic acid.
Molecular consequence: missense variant. On other transcripts: intron variant (2).
Genome position (GRCh38, 1-based): chr2:219,421,378, C>A. VCF-style: chr2-219421378-C-A. GRCh37 (hg19) VCF-style: chr2-220286100-C-A.
Other names: c.736-106C>A (NM_001382709.1); c.1059C>A, p.Asp353Glu (NM_001382708.1); c.1041C>A, p.Asp347Glu (NM_001382711.1); c.1062C>A, p.Asp354Glu (NM_001382712.1); c.792C>A, p.Asp264Glu (NM_001382713.1); c.1024-31C>A (NM_001382710.1); short protein forms D264E, D347E, D353E, D354E.
Identifiers: ClinVar variation 3756775 (VCV003756775.3).